The following is an entry in ClinVar:

ClinVar aggregate classification (germline): Uncertain significance (1 of 4 stars; one submission).

Conditions:
Cardiovascular phenotype. Identifiers: MedGen CN230736.

gnomAD v4.1: 13 of 1,613,930 alleles (0.00081%); highest among the groups gnomAD compares: Non-Finnish European, 0.0011%; no homozygotes.

Submission:

Ambry Genetics
Classification: Uncertain significance for Cardiovascular phenotype. Last evaluated: 2025-01-21. Review status: criteria provided, single submitter. Criteria: Ambry Variant Classification Scheme 2023. Collection method: clinical testing. Allele origin: germline.
Comment: The p.R52M variant (also known as c.155G>T), located in coding exon 2 of the ABCG5 gene, results from a G to T substitution at nucleotide position 155. The arginine at codon 52 is replaced by methionine, an amino acid with similar properties. This amino acid position is conserved. In addition, this alteration is predicted to be tolerated by in silico analysis. Based on the available evidence, the clinical significance of this variant remains unclear.

NM_022436.3(ABCG5):c.155G>T (p.Arg52Met)

Gene: ABCG5 (ATP binding cassette subfamily G member 5; minus strand). Cytogenetic location: 2p21.
Variant type: single nucleotide variant.
Coding change: c.155G>T on transcript NM_022436.3 (MANE Select); coding-DNA position 155, G replaced by T.
Protein change: p.Arg52Met; replaces arginine 52 with methionine.
Molecular consequence: missense variant.
Genome position (GRCh38, 1-based): chr2:43,837,944, C>A on the plus strand (G>T on the coding strand, the complement: ABCG5 is on the minus strand). VCF-style: chr2-43837944-C-A. GRCh37 (hg19) VCF-style: chr2-44065083-C-A.
Other names: short protein forms R52M.
Identifiers: ClinVar variation 3887251 (VCV003887251.1).